The following is an entry in ClinVar:

NM_198253.3(TERT):c.704C>T (p.Pro235Leu)

Gene: TERT (telomerase reverse transcriptase; minus strand). Cytogenetic location: 5p15.33.
Variant type: single nucleotide variant.
Coding change: c.704C>T on transcript NM_198253.3 (MANE Select); coding-DNA position 704, C replaced by T.
Protein change: p.Pro235Leu; replaces proline 235 with leucine.
Molecular consequence: missense variant. On other transcripts: non-coding transcript variant (2).
Genome position (GRCh38, 1-based): chr5:1,294,182, G>A on the plus strand (C>T on the coding strand, the complement: TERT is on the minus strand). VCF-style: chr5-1294182-G-A. GRCh37 (hg19) VCF-style: chr5-1294297-G-A.
Other names: c.704C>T, p.Pro235Leu (NM_001193376.3); short protein forms P235L.
Identifiers: ClinVar variation 3805795 (VCV003805795.1).

ClinVar aggregate classification (germline): Uncertain significance (1 of 4 stars; one submission).

Conditions:
Dyskeratosis congenita. Identifiers: Orphanet 1775, MedGen C0265965, MONDO:0015780.

Submission:

Ambry Genetics
Classification: Uncertain significance for Dyskeratosis congenita. Last evaluated: 2025-02-15. Review status: criteria provided, single submitter. Criteria: Ambry Variant Classification Scheme 2023. Collection method: clinical testing. Allele origin: germline.
Comment: The p.P235L variant (also known as c.704C>T), located in coding exon 2 of the TERT gene, results from a C to T substitution at nucleotide position 704. The proline at codon 235 is replaced by leucine, an amino acid with similar properties. This amino acid position is conserved. In addition, this alteration is predicted to be tolerated by in silico analysis. Based on the available evidence, the clinical significance of this variant remains unclear.